The following is an entry in ClinVar:

NM_001267550.2(TTN):c.88297G>A (p.Asp29433Asn)

Genes: TTN-AS1 (TTN antisense RNA 1; plus strand), TTN (titin; minus strand). Cytogenetic location: 2q31.2.
Variant type: single nucleotide variant.
Coding change: c.88297G>A on transcript NM_001267550.2 (MANE Select); coding-DNA position 88297, G replaced by A.
Protein change: p.Asp29433Asn; replaces aspartic acid 29433 with asparagine.
Molecular consequence: missense variant.
Genome position (GRCh38, 1-based): chr2:178,556,857, C>T on the plus strand (G>A on the coding strand, the complement: TTN is on the minus strand). VCF-style: chr2-178556857-C-T. GRCh37 (hg19) VCF-style: chr2-179421584-C-T.
Other names: p.D27792N:GAT>AAT; c.61477G>A, p.Asp20493Asn (NM_133432.3); c.61678G>A, p.Asp20560Asn (NM_133437.4); c.83374G>A, p.Asp27792Asn (NM_001256850.1); c.61102G>A, p.Asp20368Asn (NM_003319.4); c.80593G>A, p.Asp26865Asn (NM_133378.4); short protein forms D26865N, D29433N, D27792N, D20368N, D20493N, D20560N.
Identifiers: ClinVar variation 165766 (VCV000165766.33), dbSNP rs189202799, ClinGen allele CA178456.
Genomic context (GRCh38, chr2:178,556,857, plus strand): 5'-GAAATACTGAGTTAAATAGCAATTTTGATTCAAAGTGCTAAGCATGCTTACCATAAGAAT[C>T]GATGCAAGTAATGGGCCCTACAACCTCAGATGGATTGCTAATGGAACCAACAGCATTCCT-3'
Protein context (NP_001254479.2, residues 29423-29443): SEVVGPITCI[Asp29433Asn]SYGGPVIDLP

ClinVar aggregate classification (germline): Benign/Likely benign. Review status: criteria provided, multiple submitters, no conflicts (2 of 4 stars). 15 submissions from 12 submitters: Benign (7); Likely benign (7). 1 of the submissions does not count toward it. Last evaluated 2026-09-01.

Conditions:
TTN-related disorder. Also called: TTN-related disorders; TTN-related condition; TTN-related disease.
Cardiovascular phenotype. Identifiers: MedGen CN230736.
Autosomal recessive limb-girdle muscular dystrophy type 2J (LGMDR10). Also called: Limb-girdle muscular dystrophy, type 2J; MUSCULAR DYSTROPHY, LIMB-GIRDLE, AUTOSOMAL RECESSIVE 10. Identifiers: Orphanet 140922, MedGen C1837342, MONDO:0012127, OMIM 608807.
Dilated cardiomyopathy 1G (CMD1G). Identifiers: Orphanet 154, MedGen C1858763, MONDO:0011400, OMIM 604145.
Myopathy, myofibrillar, 9, with early respiratory failure (MFM9). Also called: EDSTROM MYOPATHY; MYOPATHY, PROXIMAL, WITH EARLY RESPIRATORY MUSCLE INVOLVEMENT; Hereditary myopathy with early respiratory failure; Myopathy, distal, with early respiratory failure, autosomal dominant. Identifiers: Orphanet 178464, Orphanet 34521, MedGen C1863599, MONDO:0011362, OMIM 603689.
Early-onset myopathy with fatal cardiomyopathy (CMYO5). Also called: Salih Myopathy; CONGENITAL MYOPATHY 5 WITH CARDIOMYOPATHY. Identifiers: Orphanet 289377, MedGen C2673677, MONDO:0012714, OMIM 611705. Disease mechanism: loss of function.
Tibial muscular dystrophy (TMD). Also called: Udd Distal Myopathy – Tibial Muscular Dystrophy; Tibial muscular dystrophy, tardive; UDD MYOPATHY. Identifiers: Orphanet 609, MedGen C1838244, MONDO:0010870, OMIM 600334.

Allele frequency attached by ClinVar (database versions not stated): ExAC 0.00043; ESP Exome Variant Server 0.00116; 1000 Genomes Project 0.00120; gnomAD 0.00137 and 0.00153; TOPMed 0.00154; 1000 Genomes Project 30x 0.00156.
gnomAD v4.1: 437 of 1,613,372 alleles (0.027%); highest among the groups gnomAD compares: African/African-American, 0.47%; no homozygotes.

Submissions (15):

CeGaT Center for Human Genetics Tuebingen
Classification: Likely benign. Last evaluated: 2026-09-01. Review status: criteria provided, single submitter. Criteria: CeGaT Center For Human Genetics Tuebingen Variant Classification Criteria Version 2. Collection method: clinical testing. Allele origin: germline. Affected: yes. Observed: 1 variant allele.
Comment: TTN: BS1

Labcorp Genetics (formerly Invitae), Labcorp
Classification: Benign for Dilated cardiomyopathy 1G; Autosomal recessive limb-girdle muscular dystrophy type 2J. Last evaluated: 2026-01-28. Review status: criteria provided, single submitter. Criteria: Invitae Variant Classification Sherloc (09022015). Collection method: clinical testing. Allele origin: germline.

Athena Diagnostics
Classification: Benign. Last evaluated: 2025-05-19. Review status: criteria provided, single submitter. Criteria: Athena Diagnostics Criteria. Collection method: clinical testing. Allele origin: unknown.
Comment: The frequency of this variant in the general population is higher than would generally be expected for pathogenic variants in this gene.

Molecular Diagnostic Laboratory for Inherited Cardiovascular Disease, Montreal Heart Institute
Classification: Likely benign. Last evaluated: 2025-04-09. Review status: criteria provided, single submitter. Criteria: ACMG Guidelines, 2015. Collection method: clinical testing. Allele origin: germline. Affected: no.

Blueprint Genetics
Classification: Likely benign. Last evaluated: 2024-10-04. Review status: criteria provided, single submitter. Criteria: ACMG Guidelines, 2015. Collection method: clinical testing. Allele origin: germline.

Women's Health and Genetics/Laboratory Corporation of America, LabCorp
Classification: Benign. Last evaluated: 2023-06-12. Review status: criteria provided, single submitter. Criteria: LabCorp Variant Classification Summary - May 2015. Collection method: clinical testing. Allele origin: germline.
Comment: Variant summary: TTN c.80593G>A (p.Asp26865Asn) results in a conservative amino acid change located in the A-band region of the encoded protein sequence. Two of four in-silico tools predict a benign effect of the variant on protein function. The variant allele was found at a frequency of 0.00035 in 248128 control chromosomes, predominantly at a frequency of 0.0047 within the African or African-American subpopulation in the gnomAD database. The observed variant frequency within African or African-American control individuals in the gnomAD database is approximately 12-fold of the estimated maximal expected allele frequency for a pathogenic variant in TTN causing Dilated Cardiomyopathy phenotype (0.00039), strongly suggesting that the variant is a benign polymorphism found primarily in populations of African or African-American origin. To our knowledge, no occurrence of c.80593G>A in individuals affected with Dilated Cardiomyopathy and no experimental evidence demonstrating its impact on protein function have been reported in the literature. Additionally, a co-occurrence with another pathogenic variant has been observed (TTR c.424G>A, p.Val142Ile; internal data), providing supporting evidence for a benign role. Seven clinical diagnostic laboratories have submitted clinical-significance assessments for this variant to ClinVar after 2014 and all classified the variant as benign (n=3)/likely benign (n=4). Based on the evidence outlined above, the variant was classified as benign.

Genome-Nilou Lab
Classification: Benign for Autosomal recessive limb-girdle muscular dystrophy type 2J. Last evaluated: 2021-09-10. Review status: criteria provided, single submitter. Criteria: ACMG Guidelines, 2015. Collection method: clinical testing. Allele origin: germline. Affected: no.

Genome-Nilou Lab
Classification: Benign for Myopathy, myofibrillar, 9, with early respiratory failure. Last evaluated: 2021-09-10. Review status: criteria provided, single submitter. Criteria: ACMG Guidelines, 2015. Collection method: clinical testing. Allele origin: germline. Affected: no.

Genome-Nilou Lab
Classification: Benign for Early-onset myopathy with fatal cardiomyopathy. Last evaluated: 2021-09-10. Review status: criteria provided, single submitter. Criteria: ACMG Guidelines, 2015. Collection method: clinical testing. Allele origin: germline. Affected: no.

Genome-Nilou Lab
Classification: Benign for Tibial muscular dystrophy. Last evaluated: 2021-09-10. Review status: criteria provided, single submitter. Criteria: ACMG Guidelines, 2015. Collection method: clinical testing. Allele origin: germline. Affected: no.

Ambry Genetics
Classification: Likely benign for Cardiovascular phenotype. Last evaluated: 2018-07-09. Review status: criteria provided, single submitter. Criteria: Ambry Variant Classification Scheme 2023. Collection method: clinical testing. Allele origin: germline.

GeneDx
Classification: Likely benign. Last evaluated: 2017-10-10. Review status: criteria provided, single submitter. Criteria: GeneDx Variant Classification (06012015). Collection method: clinical testing. Allele origin: germline. Affected: yes.
Comment: This variant is considered likely benign or benign based on one or more of the following criteria: it is a conservative change, it occurs at a poorly conserved position in the protein, it is predicted to be benign by multiple in silico algorithms, and/or has population frequency not consistent with disease.

Eurofins Ntd Llc (ga)
Classification: Likely benign. Last evaluated: 2016-08-19. Review status: criteria provided, single submitter. Criteria: EGL Classification Definitions 2015. Collection method: clinical testing. Allele origin: germline. Observed: 6 variant alleles, 6 heterozygotes.

Laboratory for Molecular Medicine, Mass General Brigham Personalized Medicine
Classification: Likely benign. Last evaluated: 2015-10-31. Review status: criteria provided, single submitter. Criteria: LMM Criteria. Collection method: clinical testing. Allele origin: germline. Observed: 3 variant alleles.
Comment: Asp26865Asn in exon 279 of TTN: This variant is not expected to have clinical si gnificance because it has been identified in 0.5% (45/9664) of African chromoso mes by the Exome Aggregation Consortium (ExAC; d bSNP rs189202799).

PreventionGenetics, part of Exact Sciences
Classification: Likely benign for TTN-related condition. Last evaluated: 2020-11-10. Review status: no assertion criteria provided. Collection method: clinical testing. Allele origin: germline. Not counted in ClinVar's aggregate classification.
Comment: This variant is classified as likely benign based on ACMG/AMP sequence variant interpretation guidelines (Richards et al. 2015 PMID: 25741868, with internal and published modifications).

Literature cited by the submitters: PubMed 31484976 (cited by Athena Diagnostics).